The following is an entry in ClinVar:

NM_000059.4(BRCA2):c.1368G>C (p.Glu456Asp)

Gene: BRCA2 (BRCA2 DNA repair associated; plus strand). Cytogenetic location: 13q13.1.
Variant type: single nucleotide variant.
Coding change: c.1368G>C on transcript NM_000059.4 (MANE Select); coding-DNA position 1368, G replaced by C.
Protein change: p.Glu456Asp; replaces glutamic acid 456 with aspartic acid.
Molecular consequence: missense variant.
Genome position (GRCh38, 1-based): chr13:32,332,846, G>C. VCF-style: chr13-32332846-G-C. GRCh37 (hg19) VCF-style: chr13-32906983-G-C.
Other names: short protein forms E456D.
Identifiers: ClinVar variation 438953 (VCV000438953.27), dbSNP rs747489126, ClinGen allele CA387762904.

ClinVar aggregate classification (germline): Conflicting classifications of pathogenicity. Review status: criteria provided, conflicting classifications (1 of 4 stars). 7 submissions from 7 submitters: Uncertain significance (4); Likely benign (2). 1 of the submissions does not count toward it. Last evaluated 2026-08-27.

Conditions:
Hereditary breast ovarian cancer syndrome. Also called: Breast and ovarian cancer; Hereditary breast and ovarian cancer syndrome (HBOC); Hereditary breast and ovarian cancer syndrome; Hereditary breast and/or ovarian cancer syndrome; BRCA1- and BRCA2-Associated Hereditary Breast and Ovarian Cancer; Hereditary breast and ovarian cancer. Identifiers: Orphanet 145, MedGen C0677776, MeSH D061325, MONDO:0003582. Disease mechanism: loss of function.
Hereditary cancer-predisposing syndrome. Also called: Hereditary Cancer Syndrome; Hereditary neoplastic syndrome; Neoplastic Syndromes, Hereditary; Tumor predisposition. Identifiers: Orphanet 140162, MedGen C0027672, MeSH D009386, MONDO:0015356.
Breast-ovarian cancer, familial, susceptibility to, 2 (BROVCA2). Also called: BRCA2 Hereditary Breast and Ovarian Cancer. Identifiers: Orphanet 145, MedGen C2675520, MONDO:0012933, OMIM 612555. Disease mechanism: loss of function.

Allele frequency attached by ClinVar (database versions not stated): gnomAD exomes below 0.00001.
gnomAD v4.1: 1 of 1,611,106 alleles (0.000062%); highest among the groups gnomAD compares: Non-Finnish European, 0.000085%; no homozygotes.

Submissions (7):

Myriad Genetics, Inc.
Classification: Likely benign for Breast-ovarian cancer, familial, susceptibility to, 2. Last evaluated: 2026-08-27. Review status: criteria provided, single submitter. Criteria: Myriad Autosomal Dominant, Autosomal Recessive and X-Linked Classification Criteria (2023). Collection method: clinical testing. Allele origin: unknown.
Comment: This variant is considered likely benign. This variant is strongly associated with less severe personal and family histories of cancer, typical for individuals without pathogenic variants in this gene [PMID: 25085752].

Labcorp Genetics (formerly Invitae), Labcorp
Classification: Uncertain significance for Hereditary breast ovarian cancer syndrome. Last evaluated: 2026-01-28. Review status: criteria provided, single submitter. Criteria: Invitae Variant Classification Sherloc (09022015). Collection method: clinical testing. Allele origin: germline.
Comment: This sequence change replaces glutamic acid, which is acidic and polar, with aspartic acid, which is acidic and polar, at codon 456 of the BRCA2 protein (p.Glu456Asp). This variant is present in population databases (no rsID available, gnomAD 0.0009%). This variant has not been reported in the literature in individuals affected with BRCA2-related conditions. ClinVar contains an entry for this variant (Variation ID: 438953). Invitae Evidence Modeling of protein sequence and biophysical properties (such as structural, functional, and spatial information, amino acid conservation, physicochemical variation, residue mobility, and thermodynamic stability) indicates that this missense variant is not expected to disrupt BRCA2 protein function with a negative predictive value of 95%. In summary, the available evidence is currently insufficient to determine the role of this variant in disease. Therefore, it has been classified as a Variant of Uncertain Significance.

Women's Health and Genetics/Laboratory Corporation of America, LabCorp
Classification: Uncertain significance. Last evaluated: 2025-04-15. Review status: criteria provided, single submitter. Criteria: LabCorp Variant Classification Summary - May 2015. Collection method: clinical testing. Allele origin: germline.
Comment: Variant summary: BRCA2 c.1368G>C (p.Glu456Asp) results in a conservative amino acid change in the encoded protein sequence. Five of five in-silico tools predict a benign effect of the variant on protein function. The variant allele was found at a frequency of 4.1e-06 in 245528 control chromosomes. The available data on variant occurrences in the general population are insufficient to allow any conclusion about variant significance. To our knowledge, no occurrence of c.1368G>C in individuals affected with Hereditary Breast And Ovarian Cancer Syndrome and no experimental evidence demonstrating its impact on protein function have been reported. ClinVar contains an entry for this variant (Variation ID: 438953). Based on the evidence outlined above, the variant was classified as uncertain significance.

University of Washington Department of Laboratory Medicine, University of Washington
Classification: Likely benign for Hereditary cancer-predisposing syndrome. Last evaluated: 2023-03-23. Review status: criteria provided, single submitter. Criteria: Dines et al. (Genet Med. 2020). Collection method: curation. Allele origin: germline.
Comment: Missense variant in a coldspot region where missense variants are very unlikely to be pathogenic (PMID:31911673).

BRCA2 exon 10 coldspot. Reclassification based on statistical prior probability.

Ambry Genetics
Classification: Uncertain significance for Hereditary cancer-predisposing syndrome. Last evaluated: 2022-10-28. Review status: criteria provided, single submitter. Criteria: Ambry Variant Classification Scheme 2023. Collection method: clinical testing. Allele origin: germline.
Comment: The p.E456D variant (also known as c.1368G>C), located in coding exon 9 of the BRCA2 gene, results from a G to C substitution at nucleotide position 1368. The glutamic acid at codon 456 is replaced by aspartic acid, an amino acid with highly similar properties. In a Turkish study, this alteration was detected in 0/56 women with premature ovarian insufficiency and 1/45 fertile controls, and none of the individuals in this study had a history of familial breast and/or ovarian cancer (Ylmaz NK et al. J Turk Ger Gynecol Assoc, 2016 Jan;17:77-82). This amino acid position is not well conserved in available vertebrate species. In addition, this alteration is predicted to be tolerated by in silico analysis. Since supporting evidence is limited at this time, the clinical significance of this alteration remains unclear.

Quest Diagnostics Nichols Institute San Juan Capistrano
Classification: Uncertain significance. Last evaluated: 2017-05-06. Review status: criteria provided, single submitter. Criteria: Quest Diagnostics criteria. Collection method: clinical testing. Allele origin: germline.

BRCAlab, Lund University
Classification: Uncertain significance for Breast-ovarian cancer, familial, susceptibility to, 2. Last evaluated: 2020-03-02. Review status: no assertion criteria provided. Collection method: clinical testing. Allele origin: germline. Affected: yes. Not counted in ClinVar's aggregate classification.

Literature cited by the submitters: PubMed 25085752 (cited by Myriad Genetics, Inc.); PubMed 27403073 (cited by Ambry Genetics and Quest Diagnostics Nichols Institute San Juan Capistrano); PubMed 25348012 (cited by Quest Diagnostics Nichols Institute San Juan Capistrano).